The following is an entry in ClinVar:

NM_080680.3(COL11A2):c.5070+5G>A

Gene: COL11A2 (collagen type XI alpha 2 chain; minus strand). Cytogenetic location: 6p21.32.
Variant type: single nucleotide variant.
Coding change: c.5070+5G>A on transcript NM_080680.3 (MANE Select); 5 bases into the intron after coding-DNA position 5070, G replaced by A.
Molecular consequence: intron variant.
Genome position (GRCh38, 1-based): chr6:33,164,262, C>T on the plus strand (G>A on the coding strand, the complement: COL11A2 is on the minus strand). VCF-style: chr6-33164262-C-T. GRCh37 (hg19) VCF-style: chr6-33132039-C-T.
Other names: c.4749+5G>A (NM_080679.3); c.4812+5G>A (NM_080681.3).
Identifiers: ClinVar variation 2186132 (VCV002186132.4), dbSNP rs1310527404, ClinGen allele CA566698791.

ClinVar aggregate classification (germline): Uncertain significance (1 of 4 stars; one submission).

Allele frequency attached by ClinVar (database versions not stated): gnomAD 0.00001.
gnomAD v4.1: 4 of 1,612,752 alleles (0.00025%); highest among the groups gnomAD compares: African/African-American, 0.0013%; no homozygotes.

Submission:

Labcorp Genetics (formerly Invitae), Labcorp
Classification: Uncertain significance. Last evaluated: 2025-04-17. Review status: criteria provided, single submitter. Criteria: Invitae Variant Classification Sherloc (09022015). Collection method: clinical testing. Allele origin: germline.
Comment: This sequence change falls in intron 65 of the COL11A2 gene. It does not directly change the encoded amino acid sequence of the COL11A2 protein. It affects a nucleotide within the consensus splice site. This variant is present in population databases (no rsID available, gnomAD 0.007%). This variant has not been reported in the literature in individuals affected with COL11A2-related conditions. ClinVar contains an entry for this variant (Variation ID: 2186132). Variants that disrupt the consensus splice site are a relatively common cause of aberrant splicing (PMID: 17576681, 9536098). Algorithms developed to predict the effect of sequence changes on RNA splicing suggest that this variant may disrupt the consensus splice site. In summary, the available evidence is currently insufficient to determine the role of this variant in disease. Therefore, it has been classified as a Variant of Uncertain Significance.

Literature cited by the submitters: PubMed 17576681; PubMed 9536098.